The following is an entry in ClinVar:

ClinVar aggregate classification (germline): Uncertain significance (1 of 4 stars; one submission).

Allele frequency attached by ClinVar (database versions not stated): gnomAD exomes below 0.00001.
gnomAD v4.1: 3 of 1,613,164 alleles (0.00019%); highest among the groups gnomAD compares: South Asian, 0.0022%; no homozygotes.

Submission:

Labcorp Genetics (formerly Invitae), Labcorp
Classification: Uncertain significance. Last evaluated: 2024-06-03. Review status: criteria provided, single submitter. Criteria: Invitae Variant Classification Sherloc (09022015). Collection method: clinical testing. Allele origin: germline.
Comment: This sequence change falls in intron 19 of the SLC12A3 gene. It does not directly change the encoded amino acid sequence of the SLC12A3 protein. It affects a nucleotide within the consensus splice site. This variant is present in population databases (no rsID available, gnomAD 0.006%). This variant has not been reported in the literature in individuals affected with SLC12A3-related conditions. ClinVar contains an entry for this variant (Variation ID: 1955094). Variants that disrupt the consensus splice site are a relatively common cause of aberrant splicing (PMID: 17576681, 9536098). Algorithms developed to predict the effect of sequence changes on RNA splicing suggest that this variant may disrupt the consensus splice site. In summary, the available evidence is currently insufficient to determine the role of this variant in disease. Therefore, it has been classified as a Variant of Uncertain Significance.

Literature cited by the submitters: PubMed 17576681; PubMed 9536098.

NM_001126108.2(SLC12A3):c.2368+3G>T

Gene: SLC12A3 (solute carrier family 12 member 3; plus strand). Cytogenetic location: 16q13.
Variant type: single nucleotide variant.
Coding change: c.2368+3G>T on transcript NM_001126108.2 (MANE Select); 3 bases into the intron after coding-DNA position 2368, G replaced by T.
Molecular consequence: intron variant.
Genome position (GRCh38, 1-based): chr16:56,890,359, G>T. VCF-style: chr16-56890359-G-T. GRCh37 (hg19) VCF-style: chr16-56924271-G-T.
Other names: c.2368+3G>T (NM_000339.3); c.2365+3G>T (NM_001126107.2).
Identifiers: ClinVar variation 1955094 (VCV001955094.4), dbSNP rs1447816310, ClinGen allele CA622339691.